The following is an entry in ClinVar:

ClinVar aggregate classification (germline): Pathogenic (1 of 4 stars; one submission).

Conditions:
Glutaric aciduria, type 1. Also called: Glutaryl-CoA dehydrogenase deficiency; Glutaric acidemia type I; Glutaricaciduria, type I; GA I; Glutaric Acidemia Type 1; Glutaricacidemia Type 1. Identifiers: Orphanet 25, MedGen C0268595, MONDO:0009281, OMIM 231670.

Submission:

Labcorp Genetics (formerly Invitae), Labcorp
Classification: Pathogenic for Glutaric aciduria, type 1. Last evaluated: 2021-08-06. Review status: criteria provided, single submitter. Criteria: Invitae Variant Classification Sherloc (09022015). Collection method: clinical testing. Allele origin: germline.
Comment: This sequence change replaces glutamine with arginine at codon 333 of the GCDH protein (p.Gln333Arg). The glutamine residue is highly conserved and there is a small physicochemical difference between glutamine and arginine. This variant is not present in population databases (ExAC no frequency). For these reasons, this variant has been classified as Pathogenic. Advanced modeling of protein sequence and biophysical properties (such as structural, functional, and spatial information, amino acid conservation, physicochemical variation, residue mobility, and thermodynamic stability) performed at Invitae indicates that this missense variant is expected to disrupt GCDH protein function. This variant has been observed in individual(s) with clinical features of glutaric aciduria type I (Invitae). In at least one individual the data is consistent with the variant being in trans (on the opposite chromosome) from a pathogenic variant.

NM_000159.4(GCDH):c.998A>G (p.Gln333Arg)

Gene: GCDH (glutaryl-CoA dehydrogenase; plus strand). Cytogenetic location: 19p13.13.
Variant type: single nucleotide variant.
Coding change: c.998A>G on transcript NM_000159.4 (MANE Select); coding-DNA position 998, A replaced by G.
Protein change: p.Gln333Arg; replaces glutamine 333 with arginine.
Molecular consequence: missense variant. On other transcripts: non-coding transcript variant (2).
Genome position (GRCh38, 1-based): chr19:12,897,344, A>G. VCF-style: chr19-12897344-A-G. GRCh37 (hg19) VCF-style: chr19-13008158-A-G.
Other names: c.998A>G, p.Gln333Arg (NM_013976.5); short protein forms Q333R.
Identifiers: ClinVar variation 1454846 (VCV001454846.8), dbSNP rs2145953853, ClinGen allele CA404319945.